The following is an entry in ClinVar:

NM_001040142.2(SCN2A):c.5047G>T (p.Ala1683Ser)

Gene: SCN2A (sodium voltage-gated channel alpha subunit 2; plus strand). Cytogenetic location: 2q24.3.
Variant type: single nucleotide variant.
Coding change: c.5047G>T on transcript NM_001040142.2 (MANE Select); coding-DNA position 5047, G replaced by T.
Protein change: p.Ala1683Ser; replaces alanine 1683 with serine.
Molecular consequence: missense variant.
Genome position (GRCh38, 1-based): chr2:165,388,853, G>T. VCF-style: chr2-165388853-G-T. GRCh37 (hg19) VCF-style: chr2-166245363-G-T.
Other names: p.Ala1683Ser; c.5047G>T, p.Ala1683Ser (NM_001040143.2, NM_001371246.1, NM_001371247.1 and 1 more transcripts); short protein forms A1683S.
Identifiers: ClinVar variation 1013422 (VCV001013422.41), dbSNP rs764538126, ClinGen allele CA59752433.

ClinVar aggregate classification (germline): Uncertain significance. Review status: criteria provided, multiple submitters, no conflicts (2 of 4 stars). 4 submissions from 4 submitters: Uncertain significance (4). Last evaluated 2026-04-01.

Conditions:
Developmental and epileptic encephalopathy, 11 (DEE11). Also called: Early infantile epileptic encephalopathy 11. Identifiers: Orphanet 1934, MedGen C3150987, MONDO:0013388, OMIM 613721.
Inborn genetic diseases. Identifiers: MedGen C0950123, MeSH D030342.

Allele frequency attached by ClinVar (database versions not stated): gnomAD 0.00001; gnomAD exomes 0.00002; TOPMed 0.00002.
gnomAD v4.1: 32 of 1,613,886 alleles (0.002%); highest among the groups gnomAD compares: Non-Finnish European, 0.0026%; no homozygotes.

Submissions (4):

Ambry Genetics
Classification: Uncertain significance for Inborn genetic diseases. Last evaluated: 2026-04-01. Review status: criteria provided, single submitter. Criteria: Ambry Variant Classification Scheme 2023. Collection method: clinical testing. Allele origin: germline.

Mayo Clinic Laboratories, Mayo Clinic
Classification: Uncertain significance. Last evaluated: 2023-09-05. Review status: criteria provided, single submitter. Criteria: ACMG Guidelines, 2015. Collection method: clinical testing. Allele origin: germline. Observed: 1 variant allele.
Comment: PM2_moderate

CeGaT Center for Human Genetics Tuebingen
Classification: Uncertain significance. Last evaluated: 2020-09-01. Review status: criteria provided, single submitter. Criteria: CeGaT Center For Human Genetics Tuebingen Variant Classification Criteria Version 2. Collection method: clinical testing. Allele origin: germline. Affected: yes. Observed: 1 variant allele.

Baylor Genetics
Classification: Uncertain significance for Developmental and epileptic encephalopathy, 11. Last evaluated: 2018-07-24. Review status: criteria provided, single submitter. Criteria: ACMG Guidelines, 2015. Collection method: clinical testing. Allele origin: paternal. Affected: yes.
Comment: This variant was determined to be of uncertain significance according to ACMG Guidelines, 2015 [PMID:25741868].